The following is an entry in ClinVar:

ClinVar aggregate classification (germline): Uncertain significance (1 of 4 stars; one submission).

Allele frequency attached by ClinVar (database versions not stated): ExAC 0.00002.
gnomAD v4.1: 7 of 1,612,130 alleles (0.00043%); highest among the groups gnomAD compares: Admixed American, 0.0033%; no homozygotes.

Submission:

Ambry Genetics
Classification: Uncertain significance. Last evaluated: 2022-05-13. Review status: criteria provided, single submitter. Criteria: Ambry Variant Classification Scheme 2023. Collection method: clinical testing. Allele origin: germline.
Comment: The p.D538N variant (also known as c.1612G>A), located in coding exon 15 of the PRKDC gene, results from a G to A substitution at nucleotide position 1612. The aspartic acid at codon 538 is replaced by asparagine, an amino acid with highly similar properties. This amino acid position is conserved. In addition, this alteration is predicted to be tolerated by in silico analysis. Since supporting evidence is limited at this time, the clinical significance of this alteration remains unclear.

NM_006904.7(PRKDC):c.1612G>A (p.Asp538Asn)

Gene: PRKDC (protein kinase, DNA-activated, catalytic subunit; minus strand). Cytogenetic location: 8q11.21.
Variant type: single nucleotide variant.
Coding change: c.1612G>A on transcript NM_006904.7 (MANE Select); coding-DNA position 1612, G replaced by A.
Protein change: p.Asp538Asn; replaces aspartic acid 538 with asparagine.
Molecular consequence: missense variant.
Genome position (GRCh38, 1-based): chr8:47,933,976, C>T on the plus strand (G>A on the coding strand, the complement: PRKDC is on the minus strand). VCF-style: chr8-47933976-C-T. GRCh37 (hg19) VCF-style: chr8-48846536-C-T.
Other names: c.1612G>A, p.Asp538Asn (NM_001081640.2); short protein forms D538N.
Identifiers: ClinVar variation 1776426 (VCV001776426.2), dbSNP rs775326217, ClinGen allele CA4741686.